The following is an entry in ClinVar:

ClinVar aggregate classification (germline): Likely benign. Review status: criteria provided, multiple submitters, no conflicts (2 of 4 stars). 2 submissions from 2 submitters: Likely benign (2). Last evaluated 2025-09-30.

Allele frequency attached by ClinVar (database versions not stated): gnomAD 0.00001 and 0.00002; TOPMed 0.00002; gnomAD exomes 0.00004 and 0.00006; ESP Exome Variant Server 0.00008; ExAC 0.00011.
gnomAD v4.1: 61 of 1,613,824 alleles (0.0038%); highest among the groups gnomAD compares: Non-Finnish European, 0.0048%; no homozygotes.

Submissions (2):

Labcorp Genetics (formerly Invitae), Labcorp
Classification: Likely benign. Last evaluated: 2025-09-30. Review status: criteria provided, single submitter. Criteria: Invitae Variant Classification Sherloc (09022015). Collection method: clinical testing. Allele origin: germline.

GeneDx
Classification: Likely benign. Last evaluated: 2020-08-25. Review status: criteria provided, single submitter. Criteria: GeneDx Variant Classification Process June 2021. Collection method: clinical testing. Allele origin: germline. Affected: yes.
Comment: Has not been previously published as pathogenic or benign to our knowledge

NM_004526.4(MCM2):c.579G>A (p.Leu193=)

Gene: MCM2 (minichromosome maintenance complex component 2; plus strand). Cytogenetic location: 3q21.3.
Variant type: single nucleotide variant.
Coding change: c.579G>A on transcript NM_004526.4 (MANE Select); coding-DNA position 579, G replaced by A.
Protein change: p.Leu193=; no amino-acid change (leucine 193 retained).
Molecular consequence: synonymous variant. On other transcripts: non-coding transcript variant (1).
Genome position (GRCh38, 1-based): chr3:127,605,062, G>A. VCF-style: chr3-127605062-G-A. GRCh37 (hg19) VCF-style: chr3-127323905-G-A.
Identifiers: ClinVar variation 1315680 (VCV001315680.3), dbSNP rs150457733, ClinGen allele CA2595635.
Genomic context (GRCh38, chr3:127,605,062, plus strand): 5'-CCTGGAGGATCTCAAAGGCCACTCTGTGCGCGAGTGGGTGAGCATGGCGGGCCCCCGGCT[G>A]GAGATCCACCACCGCTTCAAGAACTTCCTGCGCACTCACGTCGACAGCCACGGCCACAAC-3'
Protein context (NP_004517.2, residues 183-203): REWVSMAGPR[Leu193=]EIHHRFKNFL